The following is an entry in ClinVar:

ClinVar aggregate classification (germline): Likely benign (0 of 4 stars; one submission).

Conditions:
IL1B-related disorder. Also called: IL1B-related condition.

Allele frequency attached by ClinVar (database versions not stated): gnomAD 0.00002; TOPMed 0.00002; gnomAD exomes 0.00004; ExAC 0.00008.

Submission:

PreventionGenetics, part of Exact Sciences
Classification: Likely benign for IL1B-related condition. Last evaluated: 2019-02-28. Review status: no assertion criteria provided. Collection method: clinical testing. Allele origin: germline.
Comment: This variant is classified as likely benign based on ACMG/AMP sequence variant interpretation guidelines (Richards et al. 2015 PMID: 25741868, with internal and published modifications).

NM_000576.3(IL1B):c.100-5C>T

Gene: IL1B (interleukin 1 beta; minus strand). Cytogenetic location: 2q14.1.
Variant type: single nucleotide variant.
Coding change: c.100-5C>T on transcript NM_000576.3 (MANE Select); 5 bases into the intron before coding-DNA position 100, C replaced by T.
Molecular consequence: intron variant.
Genome position (GRCh38, 1-based): chr2:112,833,580, G>A on the plus strand (C>T on the coding strand, the complement: IL1B is on the minus strand). VCF-style: chr2-112833580-G-A. GRCh37 (hg19) VCF-style: chr2-113591157-G-A.
Identifiers: ClinVar variation 3050880 (VCV003050880.2), dbSNP rs568691885, ClinGen allele CA1837370.